The following is an entry in ClinVar:

NM_003076.5(SMARCD1):c.1486T>C (p.Tyr496His)

Gene: SMARCD1 (SWI/SNF related BAF chromatin remodeling complex subunit D1; plus strand). Cytogenetic location: 12q13.12.
Variant type: single nucleotide variant.
Coding change: c.1486T>C on transcript NM_003076.5 (MANE Select); coding-DNA position 1486, T replaced by C.
Protein change: p.Tyr496His; replaces tyrosine 496 with histidine.
Molecular consequence: missense variant.
Genome position (GRCh38, 1-based): chr12:50,098,807, T>C. VCF-style: chr12-50098807-T-C. GRCh37 (hg19) VCF-style: chr12-50492590-T-C.
Other names: c.1363T>C, p.Tyr455His (NM_139071.3); short protein forms Y455H, Y496H.
Identifiers: ClinVar variation 2577672 (VCV002577672.1), dbSNP rs2539518624, ClinGen allele CA384797209.

ClinVar aggregate classification (germline): Uncertain significance (1 of 4 stars; one submission).

Submission:

GeneDx
Classification: Uncertain significance. Last evaluated: 2023-02-21. Review status: criteria provided, single submitter. Criteria: GeneDx Variant Classification Process June 2021. Collection method: clinical testing. Allele origin: germline. Affected: yes.
Comment: Not observed at significant frequency in large population cohorts (gnomAD); Has not been previously published as pathogenic or benign to our knowledge; In silico analysis supports that this missense variant has a deleterious effect on protein structure/function